The following is an entry in ClinVar:

NM_021927.3(GUF1):c.1942A>T (p.Lys648Ter)

Gene: GUF1 (GTP binding elongation factor GUF1; plus strand). Cytogenetic location: 4p12.
Variant type: single nucleotide variant.
Coding change: c.1942A>T on transcript NM_021927.3 (MANE Select); coding-DNA position 1942, A replaced by T.
Protein change: p.Lys648Ter; replaces lysine 648 with a stop codon.
Molecular consequence: nonsense.
Genome position (GRCh38, 1-based): chr4:44,698,613, A>T. VCF-style: chr4-44698613-A-T. GRCh37 (hg19) VCF-style: chr4-44700630-A-T.
Other names: c.970A>T, p.Lys324Ter (NM_001345867.2, NM_001345869.2); c.1822A>T, p.Lys608Ter (NM_001345868.2); short protein forms K324*, K648*, K608*.
Identifiers: ClinVar variation 1446210 (VCV001446210.8), dbSNP rs1436782037, ClinGen allele CA356765586.
Genomic context (GRCh38, chr4:44,698,613, plus strand): 5'-GATATTACCCGAAAAATGAAGCTTTTGAAGAGACAAGCAGAAGGGAAAAAAAAGCTGAGG[A>T]AAATTGGCAACGTTGAAGTTCCAAAAGATGCTTTTATAAAAGTTCTGAAAACACAATCTT-3'

ClinVar aggregate classification (germline): Uncertain significance (1 of 4 stars; one submission).

Allele frequency attached by ClinVar (database versions not stated): TOPMed below 0.00001; gnomAD 0.00001.
gnomAD v4.1: 4 of 1,611,118 alleles (0.00025%); highest among the groups gnomAD compares: Non-Finnish European, 0.00034%; no homozygotes.

Submission:

Labcorp Genetics (formerly Invitae), Labcorp
Classification: Uncertain significance. Last evaluated: 2021-01-09. Review status: criteria provided, single submitter. Criteria: Invitae Variant Classification Sherloc (09022015). Collection method: clinical testing. Allele origin: germline.
Comment: In summary, the available evidence is currently insufficient to determine the role of this variant in disease. Therefore, it has been classified as a Variant of Uncertain Significance. Algorithms developed to predict the effect of sequence changes on RNA splicing suggest that this variant may create or strengthen a splice site, but this prediction has not been confirmed by published transcriptional studies. This variant has not been reported in the literature in individuals with GUF1-related conditions. This variant is not present in population databases (ExAC no frequency). This sequence change creates a premature translational stop signal (p.Lys648*) in the GUF1 gene. While this is not anticipated to result in nonsense mediated decay, it is expected to disrupt the last 22 amino acid(s) of the GUF1 protein.